The following is an entry in ClinVar:

NM_014489.4(PGAP2):c.732dup (p.Gln245fs)

Gene: PGAP2 (post-GPI attachment to proteins 2; plus strand). Cytogenetic location: 11p15.4.
Variant type: Duplication.
Coding change: c.732dup on transcript NM_014489.4 (MANE Select); coding-DNA position 732, one base duplicated (A; older notation c.732dupA).
Protein change: p.Gln245fs; shifts the reading frame from glutamine 245.
Molecular consequence: frameshift variant. On other transcripts: non-coding transcript variant (15).
Genome position (GRCh38, 1-based): chr11:3,825,043, A duplicated; the last of 3 consecutive A bases (chr11:3,825,041-3,825,043); duplicating any one gives the same sequence. VCF-style (leftmost placement, unchanged base first): chr11-3825040-G-GA. GRCh37 (hg19) VCF-style: chr11-3846270-G-GA.
Other names: c.537dup, p.Gln180Thrfs (NM_001145438.3); c.603dup, p.Gln202Thrfs (NM_001256235.2); c.732dup, p.Gln245Thrfs (NM_001256236.2); c.628dup, p.Thr210Asnfs (NM_001256237.2); c.622dup, p.Thr208Asnfs (NM_001256238.2); c.537dup, p.Gln180fs (NM_001256239.2, NM_001346400.2); c.549dup, p.Gln184fs (NM_001256240.2, NM_001346398.2, NM_001346405.1); c.549dup, p.Gln184Thrfs (NM_001283038.2); and 8 more; short protein forms Q224fs, Q235fs, Q237fs, Q241fs, Q302fs, T208fs, T267fs, Q180fs.
Identifiers: ClinVar variation 522122 (VCV000522122.5), dbSNP rs771218491, ClinGen allele CA5829886.

ClinVar aggregate classification (germline): Likely pathogenic (1 of 4 stars; one submission).

Conditions:
Inborn genetic diseases. Identifiers: MedGen C0950123, MeSH D030342.

Submission:

Ambry Genetics
Classification: Likely pathogenic for Inborn genetic diseases. Last evaluated: 2023-06-21. Review status: criteria provided, single submitter. Criteria: Ambry Variant Classification Scheme 2023. Collection method: clinical testing. Allele origin: germline.
Comment: The c.732dupA (p.Q245Tfs*26) alteration, located in exon 6 (coding exon 5) of the PGAP2 gene, consists of a duplication of A at position 732, causing a translational frameshift with a predicted alternate stop codon after 26 amino acids. This alteration occurs at the 3' terminus of the PGAP2 gene, is not expected to trigger nonsense-mediated mRNA decay, and impacts the last 23% of the protein. Premature stop codons are typically deleterious in nature, the impacted region is critical for protein function, and a significant portion of the protein is affected (Ambry internal data). Based on data from gnomAD, the c.732dupA allele has an overall frequency of <0.001% (1/251474) total alleles studied. The highest observed frequency was 0.001% (1/113764) of European (non-Finnish) alleles. Based on the available evidence, this alteration is classified as likely pathogenic.